The following is an entry in ClinVar:

NM_007294.4(BRCA1):c.426C>T (p.Pro142=)

Gene: BRCA1 (BRCA1 DNA repair associated; minus strand). Cytogenetic location: 17q21.31.
Variant type: single nucleotide variant.
Coding change: c.426C>T on transcript NM_007294.4 (MANE Select); coding-DNA position 426, C replaced by T.
Protein change: p.Pro142=; no amino-acid change (proline 142 retained).
Molecular consequence: synonymous variant. On other transcripts: intron variant (2).
Genome position (GRCh38, 1-based): chr17:43,104,137, G>A on the plus strand (C>T on the coding strand, the complement: BRCA1 is on the minus strand). VCF-style: chr17-43104137-G-A. GRCh37 (hg19) VCF-style: chr17-41256154-G-A.
Other names: c.426C>T, p.Pro142= (NM_001407612.1, NM_001407613.1, NM_001407614.1 and 165 more transcripts); c.417C>T, p.Pro139= (NM_001407646.1, NM_001407647.1, NM_001408408.1); c.348C>T, p.Pro116= (NM_001407653.1, NM_001407654.1, NM_001407655.1 and 21 more transcripts); c.285C>T, p.Pro95= (NM_001407692.1, NM_001407694.1, NM_001407695.1 and 99 more transcripts); c.216C>T, p.Pro72= (NM_001407853.1, NM_001407879.1, NM_001407881.1 and 58 more transcripts); c.45C>T, p.Pro15= (NM_001407959.1, NM_001407960.1, NM_001407962.1 and 4 more transcripts); c.294C>T, p.Pro98= (NM_001408451.1); c.-218-9277C>T (NM_001407967.1, NM_001407966.1).
Identifiers: ClinVar variation 183916 (VCV000183916.43), dbSNP rs542687218, ClinGen allele CA002743.
Genomic context (GRCh38, chr17:43,104,137, plus strand): 5'-AAAAGAAAAGAAGAAGAAGAAGAAGAAGAAAACAAATGGTTTTACCAAGGAAGGATTTTC[G>A]GGTTCACTCTGTAGAAGTCTTTTGGCACGGTTTCTGTAGCCCATACTTTGGATGATAGAA-3'
Protein context (NP_009225.1, residues 132-152): NRAKRLLQSE[Pro142=]ENPSLQETSL

ClinVar aggregate classification (germline): Likely benign. Review status: reviewed by expert panel (3 of 4 stars). 17 submissions from 17 submitters: Likely benign (1). 16 of the submissions do not count toward it. Last evaluated 2017-06-29.

Conditions:
Hereditary breast ovarian cancer syndrome. Also called: Hereditary breast and ovarian cancer syndrome; Hereditary breast and ovarian cancer syndrome (HBOC); BRCA1- and BRCA2-Associated Hereditary Breast and Ovarian Cancer; Breast and ovarian cancer; Hereditary breast and ovarian cancer; Hereditary breast and/or ovarian cancer syndrome. Identifiers: Orphanet 145, MedGen C0677776, MeSH D061325, MONDO:0003582. Disease mechanism: loss of function.
Breast and/or ovarian cancer. Identifiers: MedGen CN221562.
Hereditary cancer-predisposing syndrome. Also called: Hereditary Cancer Syndrome; Hereditary neoplastic syndrome; Tumor predisposition; Neoplastic Syndromes, Hereditary. Identifiers: Orphanet 140162, MedGen C0027672, MeSH D009386, MONDO:0015356.
Breast-ovarian cancer, familial, susceptibility to, 1 (BROVCA1). Also called: OVARIAN CANCER, SUSCEPTIBILITY TO; BRCA1 Hereditary Breast and Ovarian Cancer. Identifiers: Orphanet 145, MedGen C2676676, MONDO:0011450, OMIM 604370. Disease mechanism: loss of function.
BRCA1-related disorder. Also called: BRCA1-related condition.

Allele frequency attached by ClinVar (database versions not stated): gnomAD 0.00001; ExAC 0.00003; TOPMed 0.00004; 1000 Genomes Project 30x 0.00016; 1000 Genomes Project 0.00020.
gnomAD v4.1: 15 of 1,613,542 alleles (0.00093%); highest among the groups gnomAD compares: Admixed American, 0.005%; no homozygotes.

Submissions (17):

Evidence-based Network for the Interpretation of Germline Mutant Alleles (ENIGMA)
Classification: Likely benign for Breast-ovarian cancer, familial, susceptibility to, 1. Last evaluated: 2017-06-29. Review status: reviewed by expert panel. Criteria: ENIGMA BRCA1/2 Classification Criteria (2017-06-29). Collection method: curation. Allele origin: germline.
Comment: Synonymous substitution variant, with low bioinformatic likelihood to result in a splicing aberration (Splicing prior probability 0.02).

Labcorp Genetics (formerly Invitae), Labcorp
Classification: Likely benign for Hereditary breast ovarian cancer syndrome. Last evaluated: 2025-12-18. Review status: criteria provided, single submitter. Criteria: Invitae Variant Classification Sherloc (09022015). Collection method: clinical testing. Allele origin: germline. Not counted in ClinVar's aggregate classification.

Center for Genomic Medicine, Rigshospitalet, Copenhagen University Hospital
Classification: Likely benign. Last evaluated: 2025-03-04. Review status: criteria provided, single submitter. Criteria: ACMG Guidelines, 2015. Collection method: clinical testing. Allele origin: germline. Not counted in ClinVar's aggregate classification.

Blueprint Genetics
Classification: Likely benign. Last evaluated: 2024-07-24. Review status: criteria provided, single submitter. Criteria: ACMG Guidelines, 2015. Collection method: clinical testing. Allele origin: germline. Not counted in ClinVar's aggregate classification.

All of Us Research Program, National Institutes of Health
Classification: Likely benign for Breast-ovarian cancer, familial, susceptibility to, 1. Last evaluated: 2023-12-01. Review status: criteria provided, single submitter. Criteria: ACMG Guidelines, 2015. Collection method: clinical testing. Allele origin: germline. Inheritance: Autosomal dominant inheritance. Observed: 5 variant alleles, 5 heterozygotes. Not counted in ClinVar's aggregate classification.
Comment: This study involves interpretation of variants in research participants for the purpose of population health screening. Participant phenotype was not available at the time of variant classification. Additional details can be found in publication PMID: 35346344, PMCID: PMC8962531

CHEO Genetics Diagnostic Laboratory, Children's Hospital of Eastern Ontario
Classification: Likely benign for Breast and/or ovarian cancer. Last evaluated: 2023-05-24. Review status: criteria provided, single submitter. Criteria: ACMG Guidelines, 2015. Collection method: clinical testing. Allele origin: germline. Not counted in ClinVar's aggregate classification.

Women's Health and Genetics/Laboratory Corporation of America, LabCorp
Classification: Likely benign. Last evaluated: 2023-05-08. Review status: criteria provided, single submitter. Criteria: LabCorp Variant Classification Summary - May 2015. Collection method: clinical testing. Allele origin: germline. Not counted in ClinVar's aggregate classification.
Comment: Variant summary: BRCA1 c.426C>T alters a non-conserved nucleotide resulting in a synonymous change. 4/4 computational tools predict no significant impact on normal splicing. However, these predictions have yet to be confirmed by functional studies. The variant allele was found at a frequency of 1.6e-05 in 251174 control chromosomes (gnomAD). The available data on variant occurrences in the general population are insufficient to allow any conclusion about variant significance. c.426C>T has been reported in the literature in association with Hereditary Breast And Ovarian Cancer without strong evidence for causality (example: Judkins_2005). This report does not provide unequivocal conclusions about association of the variant with Hereditary Breast And Ovarian Cancer Syndrome. To our knowledge, no experimental evidence demonstrating an impact on protein function has been reported. The following publications have been ascertained in the context of this evaluation (PMID: 16267036, 22797009). Ten submitters (including an expert panel -ENIGMA) have submitted clinical-significance assessments for this variant to ClinVar after 2014 and all classified the variant as benign/likely benign. Based on the evidence outlined above, the variant was classified as likely benign.

Quest Diagnostics Nichols Institute San Juan Capistrano
Classification: Likely benign. Last evaluated: 2022-11-30. Review status: criteria provided, single submitter. Criteria: Quest Diagnostics criteria. Collection method: clinical testing. Allele origin: unknown. Not counted in ClinVar's aggregate classification.

Department of Pathology and Laboratory Medicine, Sinai Health System
Classification: Likely benign for Hereditary breast ovarian cancer syndrome. Last evaluated: 2021-12-06. Review status: criteria provided, single submitter. Criteria: ACMG Guidelines, 2015. Collection method: clinical testing. Allele origin: germline. Affected: yes. Not counted in ClinVar's aggregate classification.

Sema4
Classification: Likely benign for Hereditary cancer-predisposing syndrome. Last evaluated: 2021-03-08. Review status: criteria provided, single submitter. Criteria: Sema4 Curation Guidelines. Collection method: curation. Allele origin: germline. Not counted in ClinVar's aggregate classification.

ARUP Laboratories, Molecular Genetics and Genomics, ARUP Laboratories
Classification: Likely benign. Last evaluated: 2018-09-05. Review status: criteria provided, single submitter. Criteria: ARUP Molecular Germline Variant Investigation Process. Collection method: clinical testing. Allele origin: germline. Not counted in ClinVar's aggregate classification.

Cancer Genetics and Genomics Laboratory, British Columbia Cancer Agency
Classification: Likely benign. Last evaluated: 2017-04-18. Review status: criteria provided, single submitter. Criteria: ACMG Guidelines, 2015. Collection method: clinical testing. Allele origin: germline. Study: The Canadian Open Genetics Repository (COGR). Not counted in ClinVar's aggregate classification.

Color Diagnostics, LLC DBA Color Health
Classification: Likely benign for Hereditary cancer-predisposing syndrome. Last evaluated: 2016-03-06. Review status: criteria provided, single submitter. Criteria: ACMG Guidelines, 2015. Collection method: clinical testing. Allele origin: germline. Not counted in ClinVar's aggregate classification.

GeneDx
Classification: Benign. Last evaluated: 2015-03-03. Review status: criteria provided, single submitter. Criteria: GeneDx Variant Classification Process June 2021. Collection method: clinical testing. Allele origin: germline. Affected: yes. Not counted in ClinVar's aggregate classification.

Ambry Genetics
Classification: Likely benign for Hereditary cancer-predisposing syndrome. Last evaluated: 2014-11-17. Review status: criteria provided, single submitter. Criteria: Ambry Variant Classification Scheme 2023. Collection method: clinical testing. Allele origin: germline. Not counted in ClinVar's aggregate classification.

PreventionGenetics, part of Exact Sciences
Classification: Likely benign for BRCA1-related condition. Last evaluated: 2019-10-14. Review status: no assertion criteria provided. Collection method: clinical testing. Allele origin: germline. Not counted in ClinVar's aggregate classification.
Comment: This variant is classified as likely benign based on ACMG/AMP sequence variant interpretation guidelines (Richards et al. 2015 PMID: 25741868, with internal and published modifications).

Counsyl
Classification: Likely benign for Breast-ovarian cancer, familial, susceptibility to, 1. Last evaluated: 2016-06-28. Review status: no assertion criteria provided. Collection method: clinical testing. Allele origin: unknown. Not counted in ClinVar's aggregate classification.

Literature cited by the submitters: PubMed 16267036 (cited by 3 submitters); PubMed 22797009 (cited by Women's Health and Genetics/Laboratory Corporation of America, LabCorp); PubMed 30287823 (cited by Quest Diagnostics Nichols Institute San Juan Capistrano).